The following is an entry in ClinVar:

NM_005002.5(NDUFA9):c.963+5G>C

Gene: NDUFA9 (NADH:ubiquinone oxidoreductase subunit A9; plus strand). Cytogenetic location: 12p13.32.
Variant type: single nucleotide variant.
Coding change: c.963+5G>C on transcript NM_005002.5 (MANE Select); 5 bases into the intron after coding-DNA position 963, G replaced by C.
Molecular consequence: intron variant.
Genome position (GRCh38, 1-based): chr12:4,685,330, G>C. VCF-style: chr12-4685330-G-C. GRCh37 (hg19) VCF-style: chr12-4794496-G-C.
Identifiers: ClinVar variation 2750226 (VCV002750226.3), dbSNP rs2498118553, ClinGen allele CA2697559082.

ClinVar aggregate classification (germline): Uncertain significance (1 of 4 stars; one submission).

Submission:

Labcorp Genetics (formerly Invitae), Labcorp
Classification: Uncertain significance. Last evaluated: 2023-08-14. Review status: criteria provided, single submitter. Criteria: Invitae Variant Classification Sherloc (09022015). Collection method: clinical testing. Allele origin: germline.
Comment: Variants that disrupt the consensus splice site are a relatively common cause of aberrant splicing (PMID: 17576681, 9536098). Algorithms developed to predict the effect of sequence changes on RNA splicing suggest that this variant may disrupt the consensus splice site. This variant has not been reported in the literature in individuals affected with NDUFA9-related conditions. This variant is not present in population databases (gnomAD no frequency). This sequence change falls in intron 10 of the NDUFA9 gene. It does not directly change the encoded amino acid sequence of the NDUFA9 protein. It affects a nucleotide within the consensus splice site. In summary, the available evidence is currently insufficient to determine the role of this variant in disease. Therefore, it has been classified as a Variant of Uncertain Significance.

Literature cited by the submitters: PubMed 17576681; PubMed 9536098.